The following is an entry in ClinVar:

NM_207111.4(RNF216):c.621G>C (p.Glu207Asp)

Gene: RNF216 (ring finger protein 216; minus strand). Cytogenetic location: 7p22.1.
Variant type: single nucleotide variant.
Coding change: c.621G>C on transcript NM_207111.4 (MANE Select); coding-DNA position 621, G replaced by C.
Protein change: p.Glu207Asp; replaces glutamic acid 207 with aspartic acid.
Molecular consequence: missense variant.
Genome position (GRCh38, 1-based): chr7:5,741,396, C>G on the plus strand (G>C on the coding strand, the complement: RNF216 is on the minus strand). VCF-style: chr7-5741396-C-G. GRCh37 (hg19) VCF-style: chr7-5781027-C-G.
Other names: c.450G>C, p.Glu150Asp (NM_001377156.1, NM_207116.3); c.621G>C (NM_207111.3); short protein forms E150D, E207D.
Identifiers: ClinVar variation 1896026 (VCV001896026.6), dbSNP rs958623853, ClinGen allele CA153257696.

ClinVar aggregate classification (germline): Uncertain significance. Review status: criteria provided, multiple submitters, no conflicts (2 of 4 stars). 2 submissions from 2 submitters: Uncertain significance (2). Last evaluated 2024-03-01.

Conditions:
Inborn genetic diseases. Identifiers: MedGen C0950123, MeSH D030342.

Allele frequency attached by ClinVar (database versions not stated): TOPMed 0.00003.
gnomAD v4.1: 17 of 1,614,094 alleles (0.0011%); highest among the groups gnomAD compares: Admixed American, 0.0017%; no homozygotes.

Submissions (2):

Ambry Genetics
Classification: Uncertain significance for Inborn genetic diseases. Last evaluated: 2024-03-01. Review status: criteria provided, single submitter. Criteria: Ambry Variant Classification Scheme 2023. Collection method: clinical testing. Allele origin: germline.

Labcorp Genetics (formerly Invitae), Labcorp
Classification: Uncertain significance. Last evaluated: 2022-03-06. Review status: criteria provided, single submitter. Criteria: Invitae Variant Classification Sherloc (09022015). Collection method: clinical testing. Allele origin: germline.
Comment: Algorithms developed to predict the effect of missense changes on protein structure and function output the following: SIFT: "Tolerated"; PolyPhen-2: "Benign"; Align-GVGD: "Class C0". The aspartic acid amino acid residue is found in multiple mammalian species, which suggests that this missense change does not adversely affect protein function. In summary, the available evidence is currently insufficient to determine the role of this variant in disease. Therefore, it has been classified as a Variant of Uncertain Significance. This variant has not been reported in the literature in individuals affected with RNF216-related conditions. This variant is not present in population databases (gnomAD no frequency). This sequence change replaces glutamic acid, which is acidic and polar, with aspartic acid, which is acidic and polar, at codon 207 of the RNF216 protein (p.Glu207Asp).